The following is an entry in ClinVar:

ClinVar aggregate classification (germline): Uncertain significance. Review status: criteria provided, multiple submitters, no conflicts (2 of 4 stars). 3 submissions from 3 submitters: Uncertain significance (3). Last evaluated 2025-09-11.

Conditions:
Inborn genetic diseases. Identifiers: MedGen C0950123, MeSH D030342.

Allele frequency attached by ClinVar (database versions not stated): gnomAD exomes 0.00009; ExAC 0.00018; gnomAD 0.00038; 1000 Genomes Project 0.00040; TOPMed 0.00043; ESP Exome Variant Server 0.00046; 1000 Genomes Project 30x 0.00062.

Submissions (3):

Labcorp Genetics (formerly Invitae), Labcorp
Classification: Uncertain significance. Last evaluated: 2025-09-11. Review status: criteria provided, single submitter. Criteria: Invitae Variant Classification Sherloc (09022015). Collection method: clinical testing. Allele origin: germline.
Comment: This sequence change replaces aspartic acid, which is acidic and polar, with asparagine, which is neutral and polar, at codon 263 of the TRPV6 protein (p.Asp263Asn). This variant is present in population databases (rs150421102, gnomAD 0.1%). This missense change has been observed in individual(s) with TRPV6-related conditions (PMID: 31930989, 37810884). ClinVar contains an entry for this variant (Variation ID: 2347450). Algorithms developed to predict the effect of variants on gene product structure and function are not available or were not evaluated for this variant. Experimental studies have shown that this missense change does not substantially affect TRPV6 function (PMID: 31930989). In summary, the available evidence is currently insufficient to determine the role of this variant in disease. Therefore, it has been classified as a Variant of Uncertain Significance.

Ambry Genetics
Classification: Uncertain significance for Inborn genetic diseases. Last evaluated: 2024-07-25. Review status: criteria provided, single submitter. Criteria: Ambry Variant Classification Scheme 2023. Collection method: clinical testing. Allele origin: germline.

Blueprint Genetics
Classification: Uncertain significance. Last evaluated: 2024-07-15. Review status: criteria provided, single submitter. Criteria: ACMG Guidelines, 2015. Collection method: clinical testing. Allele origin: germline.

Literature cited by the submitters: PubMed 31930989 (cited by Labcorp Genetics (formerly Invitae), Labcorp); PubMed 37810884 (cited by Labcorp Genetics (formerly Invitae), Labcorp).

NM_018646.6(TRPV6):c.787G>A (p.Asp263Asn)

Gene: TRPV6 (transient receptor potential cation channel subfamily V member 6; minus strand). Cytogenetic location: 7q34.
Variant type: single nucleotide variant.
Coding change: c.787G>A on transcript NM_018646.6 (MANE Select); coding-DNA position 787, G replaced by A.
Protein change: p.Asp263Asn; replaces aspartic acid 263 with asparagine.
Molecular consequence: missense variant.
Genome position (GRCh38, 1-based): chr7:142,876,503, C>T on the plus strand (G>A on the coding strand, the complement: TRPV6 is on the minus strand). VCF-style: chr7-142876503-C-T. GRCh37 (hg19) VCF-style: chr7-142574256-C-T.
Other names: short protein forms D263N.
Identifiers: ClinVar variation 2347450 (VCV002347450.7), dbSNP rs150421102, ClinGen allele CA4532737.
Genomic context (GRCh38, chr7:142,876,503, plus strand): 5'-GGGTGAGACCCTGGTGATTGGGCACGAGGTCCAGGGGCTGCAGGTGGTCCCCATGTCTGT[C>T]GTAGGACAGCAACAGGTTGTACATCTGGCAGGCAAAGGTTTTGTTGGGCTGGAGGATGAG-3'
Protein context (NP_061116.5, residues 253-273): CQMYNLLLSY[Asp263Asn]RHGDHLQPLD